The following is an entry in ClinVar:

ClinVar aggregate classification (germline): Uncertain significance (1 of 4 stars; one submission).

Conditions:
Cardiomyopathy (CMYO). Also called: Cardiomyopathies. Identifiers: Orphanet 167848, MedGen C0878544, MONDO:0004994, HP:0001638. Inheritance: Various modes of inheritance.

Submission:

Color Diagnostics, LLC DBA Color Health
Classification: Uncertain significance for Cardiomyopathy. Last evaluated: 2024-03-06. Review status: criteria provided, single submitter. Criteria: ACMG Guidelines, 2015. Collection method: clinical testing. Allele origin: germline.
Comment: This missense variant replaces valine with phenylalanine at codon 260 of the RYR2 protein. Computational prediction suggests that this variant may have deleterious impact on protein structure and function (internally defined REVEL score threshold >= 0.7, PMID: 27666373). To our knowledge, functional studies have not been reported for this variant. This variant has not been reported in individuals affected with cardiovascular disorders in the literature. This variant has not been identified in the general population by the Genome Aggregation Database (gnomAD). The available evidence is insufficient to determine the role of this variant in disease conclusively. Therefore, this variant is classified as a Variant of Uncertain Significance.

NM_001035.3(RYR2):c.778G>T (p.Val260Phe)

Gene: RYR2 (ryanodine receptor 2; plus strand). Cytogenetic location: 1q43.
Variant type: single nucleotide variant.
Coding change: c.778G>T on transcript NM_001035.3 (MANE Select); coding-DNA position 778, G replaced by T.
Protein change: p.Val260Phe; replaces valine 260 with phenylalanine.
Molecular consequence: missense variant.
Genome position (GRCh38, 1-based): chr1:237,417,053, G>T. VCF-style: chr1-237417053-G-T. GRCh37 (hg19) VCF-style: chr1-237580353-G-T.
Other names: short protein forms V260F.
Identifiers: ClinVar variation 1172342 (VCV001172342.3), dbSNP rs2150028634, ClinGen allele CA345383546.